The following is an entry in ClinVar:

NM_014423.4(AFF4):c.7C>T (p.Arg3Cys)

Gene: AFF4 (ALF transcription elongation factor 4; minus strand). Cytogenetic location: 5q31.1.
Variant type: single nucleotide variant.
Coding change: c.7C>T on transcript NM_014423.4 (MANE Select); coding-DNA position 7, C replaced by T.
Protein change: p.Arg3Cys; replaces arginine 3 with cysteine.
Molecular consequence: missense variant.
Genome position (GRCh38, 1-based): chr5:132,937,183, G>A on the plus strand (C>T on the coding strand, the complement: AFF4 is on the minus strand). VCF-style: chr5-132937183-G-A. GRCh37 (hg19) VCF-style: chr5-132272875-G-A.
Other names: c.7C>T (NM_014423.3); short protein forms R3C.
Identifiers: ClinVar variation 1495722 (VCV001495722.7), dbSNP rs764154717, ClinGen allele CA3409529.
Genomic context (GRCh38, chr5:132,937,183, plus strand): 5'-GCTGAATTTCCTGATTCCGCCTTTCCCGTTCTTTCATACGCAGCACATTCCGGTCTTCAC[G>A]GTTCATGTTGCTATGAAAAGAAACACAATCTTTGTATCACAGAAATAAAAGGAAAAATTA-3'
Protein context (NP_055238.1, residues 1-13): MN[Arg3Cys]EDRNVLRMKE

ClinVar aggregate classification (germline): Uncertain significance. Review status: criteria provided, multiple submitters, no conflicts (2 of 4 stars). 2 submissions from 2 submitters: Uncertain significance (2). Last evaluated 2023-10-13.

Conditions:
Inborn genetic diseases. Identifiers: MedGen C0950123, MeSH D030342.
Cognitive impairment - coarse facies - heart defects - obesity - pulmonary involvement - short stature - skeletal dysplasia syndrome. Also called: COGNITIVE IMPAIRMENT, COARSE FACIES, HEART DEFECTS, OBESITY, PULMONARY INVOLVEMENT, SHORT STATURE, AND SKELETAL DYSPLASIA; Chops syndrome; AFF4-Related CHOPS Syndrome. Identifiers: Orphanet 444077, MedGen C4085597, MONDO:0014609, OMIM 616368.

Allele frequency attached by ClinVar (database versions not stated): gnomAD 0.00001; gnomAD exomes 0.00001; TOPMed 0.00001.
gnomAD v4.1: 9 of 1,607,472 alleles (0.00056%); highest among the groups gnomAD compares: African/African-American, 0.0027%; no homozygotes.

Submissions (2):

Labcorp Genetics (formerly Invitae), Labcorp
Classification: Uncertain significance for Cognitive impairment - coarse facies - heart defects - obesity - pulmonary involvement - short stature - skeletal dysplasia syndrome. Last evaluated: 2023-10-13. Review status: criteria provided, single submitter. Criteria: Invitae Variant Classification Sherloc (09022015). Collection method: clinical testing. Allele origin: germline.
Comment: This sequence change replaces arginine, which is basic and polar, with cysteine, which is neutral and slightly polar, at codon 3 of the AFF4 protein (p.Arg3Cys). This variant is present in population databases (rs764154717, gnomAD 0.003%). This variant has not been reported in the literature in individuals affected with AFF4-related conditions. ClinVar contains an entry for this variant (Variation ID: 1495722). An algorithm developed to predict the effect of missense changes on protein structure and function (PolyPhen-2) suggests that this variant is likely to be disruptive. In summary, the available evidence is currently insufficient to determine the role of this variant in disease. Therefore, it has been classified as a Variant of Uncertain Significance.

Ambry Genetics
Classification: Uncertain significance for Inborn genetic diseases. Last evaluated: 2022-01-03. Review status: criteria provided, single submitter. Criteria: Ambry Variant Classification Scheme 2023. Collection method: clinical testing. Allele origin: germline.